The following is an entry in ClinVar:

ClinVar aggregate classification (germline): Uncertain significance. Review status: criteria provided, multiple submitters, no conflicts (2 of 4 stars). 6 submissions from 6 submitters: Uncertain significance (6). Last evaluated 2026-04-28.

Conditions:
Hereditary cancer-predisposing syndrome. Also called: Tumor predisposition; Hereditary neoplastic syndrome; Neoplastic Syndromes, Hereditary; Hereditary Cancer Syndrome. Identifiers: Orphanet 140162, MedGen C0027672, MeSH D009386, MONDO:0015356.
Familial adenomatous polyposis 1 (FAP1). Also called: POLYPOSIS, ADENOMATOUS INTESTINAL; FAMILIAL ADENOMATOUS POLYPOSIS 1, ATTENUATED. Identifiers: MedGen C2713442, MONDO:0021056, OMIM 175100. Disease mechanism: loss of function.

Allele frequency attached by ClinVar (database versions not stated): gnomAD exomes below 0.00001; gnomAD 0.00001.
gnomAD v4.1: 8 of 1,613,962 alleles (0.0005%); highest among the groups gnomAD compares: African/African-American, 0.0013%; no homozygotes.

Submissions (6):

Ambry Genetics
Classification: Uncertain significance for Hereditary cancer-predisposing syndrome. Last evaluated: 2026-04-28. Review status: criteria provided, single submitter. Criteria: Ambry Variant Classification Scheme 2023. Collection method: clinical testing. Allele origin: germline.
Comment: The p.E428G variant (also known as c.1283A>G), located in coding exon 9 of the APC gene, results from an A to G substitution at nucleotide position 1283. The glutamic acid at codon 428 is replaced by glycine, an amino acid with similar properties. This amino acid position is well conserved in available vertebrate species. In addition, in silico predictors for this gene do not accurately predict pathogenicity. Missense alterations in APC are not a common cause of disease (Spier I et al. Genet Med. 2024 Feb;26(2):100992). Based on the available evidence, the clinical significance of this variant remains unclear.

Labcorp Genetics (formerly Invitae), Labcorp
Classification: Uncertain significance for Familial adenomatous polyposis 1. Last evaluated: 2025-12-03. Review status: criteria provided, single submitter. Criteria: Invitae Variant Classification Sherloc (09022015). Collection method: clinical testing. Allele origin: germline.
Comment: This sequence change replaces glutamic acid, which is acidic and polar, with glycine, which is neutral and non-polar, at codon 428 of the APC protein (p.Glu428Gly). This variant is present in population databases (rs750487805, gnomAD 0.01%). This variant has not been reported in the literature in individuals affected with APC-related conditions. ClinVar contains an entry for this variant (Variation ID: 537569). Invitae Evidence Modeling of protein sequence and biophysical properties (such as structural, functional, and spatial information, amino acid conservation, physicochemical variation, residue mobility, and thermodynamic stability) indicates that this missense variant is not expected to disrupt APC protein function with a negative predictive value of 95%. In summary, the available evidence is currently insufficient to determine the role of this variant in disease. Therefore, it has been classified as a Variant of Uncertain Significance.

GeneDx
Classification: Uncertain significance. Last evaluated: 2024-12-04. Review status: criteria provided, single submitter. Criteria: GeneDx Variant Classification Process June 2021. Collection method: clinical testing. Allele origin: germline. Affected: yes.
Comment: Not observed at significant frequency in large population cohorts (gnomAD); In silico analysis supports that this missense variant has a deleterious effect on protein structure/function; Has not been previously published as pathogenic or benign to our knowledge

Baylor Genetics
Classification: Uncertain significance for Familial adenomatous polyposis 1. Last evaluated: 2023-09-04. Review status: criteria provided, single submitter. Criteria: ACMG Guidelines, 2015. Collection method: clinical testing. Allele origin: unknown.

Mendelics
Classification: Uncertain significance. Last evaluated: 2022-05-04. Review status: criteria provided, single submitter. Criteria: Mendelics Assertion Criteria 2019. Collection method: clinical testing. Allele origin: germline.

Quest Diagnostics Nichols Institute San Juan Capistrano
Classification: Uncertain significance. Last evaluated: 2020-07-17. Review status: criteria provided, single submitter. Criteria: Quest Diagnostics criteria. Collection method: clinical testing. Allele origin: unknown.

NM_000038.6(APC):c.1283A>G (p.Glu428Gly)

Gene: APC (APC regulator of Wnt signaling pathway; plus strand). Cytogenetic location: 5q22.2.
Variant type: single nucleotide variant.
Coding change: c.1283A>G on transcript NM_000038.6 (MANE Select); coding-DNA position 1283, A replaced by G.
Protein change: p.Glu428Gly; replaces glutamic acid 428 with glycine.
Molecular consequence: missense variant.
Genome position (GRCh38, 1-based): chr5:112,819,315, A>G. VCF-style: chr5-112819315-A-G. GRCh37 (hg19) VCF-style: chr5-112155012-A-G.
Other names: c.1283A>G, p.Glu428Gly (NM_001127510.3, NM_001354895.2, NM_001354896.2); c.1229A>G, p.Glu410Gly (NM_001127511.3); c.1313A>G, p.Glu438Gly (NM_001354897.2); c.1208A>G, p.Glu403Gly (NM_001354898.2); c.1199A>G, p.Glu400Gly (NM_001354899.2); c.1106A>G, p.Glu369Gly (NM_001354900.2, NM_001354901.2); c.1010A>G, p.Glu337Gly (NM_001354902.2); c.980A>G, p.Glu327Gly (NM_001354903.2); and 3 more; short protein forms E410G, E428G, E145G, E268G, E438G, E327G, E400G, E403G.
Identifiers: ClinVar variation 537569 (VCV000537569.22), dbSNP rs750487805, ClinGen allele CA16024115.